The following is an entry in ClinVar:

ClinVar aggregate classification (germline): Pathogenic. Review status: reviewed by expert panel (3 of 4 stars). 9 submissions from 9 submitters: Pathogenic (1). 8 of the submissions do not count toward it. Last evaluated 2016-12-15.

Conditions:
Cardiovascular phenotype. Identifiers: MedGen CN230736.
Cardiomyopathy (CMYO). Also called: Cardiomyopathies. Identifiers: Orphanet 167848, MedGen C0878544, MONDO:0004994, HP:0001638. Inheritance: Various modes of inheritance.
Dilated cardiomyopathy 1S (CMD1S). Identifiers: Orphanet 154, Orphanet 54260, MedGen C1834481, MONDO:0013262, OMIM 613426.
Primary dilated cardiomyopathy (DCM). Also called: Dilated Cardiomyopathy. Identifiers: Orphanet 217604, MedGen C0007193, MeSH D002311, MONDO:0005021, HP:0001644. Inheritance: Various modes of inheritance.
Hypertrophic cardiomyopathy. Also called: HYPERTROPHIC MYOCARDIOPATHY. Identifiers: Orphanet 217569, MedGen C0007194, MeSH D002312, MONDO:0005045, HP:0001639.

Allele frequency attached by ClinVar (database versions not stated): gnomAD exomes below 0.00001.
gnomAD v4.1: 1 of 1,614,118 alleles (0.000062%); highest among the groups gnomAD compares: Admixed American, 0.0017%; no homozygotes.

Submissions (9):

ClinGen Cardiomyopathy Variant Curation Expert Panel
Classification: Pathogenic for Primary dilated cardiomyopathy. Last evaluated: 2016-12-15. Review status: reviewed by expert panel. Criteria: ClinGen CMP ACMG Specifications v1. Collection method: curation. Allele origin: germline. Inheritance: Autosomal dominant inheritance.
Comment: The c.1594T>C (p.Ser532Pro) variant in MYH7 has been reported in 2 individuals with dilated cardiomyopathy (PS4_Supporting; PMID:11106718; PMID:22949430; Partners LMM ClinVar SCV000199219.4). This variant segregated with disease in >10 affected individuals (PP1_Strong; PMID:11106718; PMID:22949430). Mouse model indicates that this variant disrupts the function of MYH7 and leads to a phenotype consistent with DCM (PS3; PMID:16983074; PMID:23313350; PMID:17351073 ). This variant was absent from large population studies (PM2). This variant lies in the head region of the protein (aa 181-937) and missense variants in this region are statistically more likely to be disease-associated (PM1; PMID:27532257). Computational prediction tools and conservation analysis suggest that this variant may impact the protein (PP3). In summary, this variant meets criteria to be classified as pathogenic for dilated cardiomyopathy in an autosomal dominant manner. MYH7-specific ACMG/AMP criteria applied (PMID:29300372): PS3; PP1_ Strong; PM1; PM2; PP3; PS4_Supporting

Labcorp Genetics (formerly Invitae), Labcorp
Classification: Pathogenic for Hypertrophic cardiomyopathy. Last evaluated: 2026-01-14. Review status: criteria provided, single submitter. Criteria: Invitae Variant Classification Sherloc (09022015). Collection method: clinical testing. Allele origin: germline. Not counted in ClinVar's aggregate classification.
Comment: This sequence change replaces serine, which is neutral and polar, with proline, which is neutral and non-polar, at codon 532 of the MYH7 protein (p.Ser532Pro). This variant is not present in population databases (gnomAD no frequency). This missense change has been observed in individual(s) with dilated cardiomyopathy (PMID: 11106718). It has also been observed to segregate with disease in related individuals. ClinVar contains an entry for this variant (Variation ID: 14108). Invitae Evidence Modeling of protein sequence and biophysical properties (such as structural, functional, and spatial information, amino acid conservation, physicochemical variation, residue mobility, and thermodynamic stability) indicates that this missense variant is expected to disrupt MYH7 protein function with a positive predictive value of 95%. Experimental studies have shown that this missense change affects MYH7 function (PMID: 16983074, 17351073, 23313350, 25937279). This variant is found within a region of MYH7 between codons 181 and 937 that contains the majority of the myosin head domain. Missense variants in this region have been shown to be significantly overrepresented in individuals with hypertrophic cardiomyopathy (PMID: 27532257). For these reasons, this variant has been classified as Pathogenic.

Mayo Clinic Laboratories, Mayo Clinic
Classification: Pathogenic. Last evaluated: 2025-02-07. Review status: criteria provided, single submitter. Criteria: ACMG Guidelines, 2015. Collection method: clinical testing. Allele origin: germline. Observed: 1 variant allele. Not counted in ClinVar's aggregate classification.
Comment: PP1_strong, PM1, PM2_supporting, PS3

Ambry Genetics
Classification: Pathogenic for Cardiovascular phenotype. Last evaluated: 2023-10-17. Review status: criteria provided, single submitter. Criteria: Ambry Variant Classification Scheme 2023. Collection method: clinical testing. Allele origin: germline. Not counted in ClinVar's aggregate classification.
Comment: The p.S532P pathogenic mutation (also known as c.1594T>C), located in coding exon 14 of the MYH7 gene, results from a T to C substitution at nucleotide position 1594. The serine at codon 532 is replaced by proline, an amino acid with similar properties. This variant has been reported in dilated cardiomyopathy (DCM) cases, including one family with co-segregation in numerous affected relatives (Kamisago M et al. N. Engl. J. Med., 2000 Dec;343:1688-96; Lakdawala NK et al. Circ Cardiovasc Genet, 2012 Oct;5:503-10). Heterozygous mouse models demonstrated impaired contractile function with progressive DCM phenotypes (Schmitt JP et al. Proc. Natl. Acad. Sci. U.S.A., 2006 Sep;103:14525-30; Aksel T et al. Cell Rep, 2015 May;11:910-920). This variant is considered to be rare based on population cohorts in the Genome Aggregation Database (gnomAD). This amino acid position is highly conserved in available vertebrate species. In addition, this alteration is predicted to be deleterious by in silico analysis. Based on the supporting evidence, this alteration is interpreted as a disease-causing mutation.

All of Us Research Program, National Institutes of Health
Classification: Pathogenic for Primary dilated cardiomyopathy. Last evaluated: 2023-02-24. Review status: criteria provided, single submitter. Criteria: ACMG Guidelines, 2015. Collection method: clinical testing. Allele origin: germline. Inheritance: Autosomal dominant inheritance. Observed: 1 variant allele, 1 heterozygote. Not counted in ClinVar's aggregate classification.
Comment: This missense variant replaces serine with proline at codon 532 in the myosin head/motor (S1) domain of the MYH7 protein. Computational prediction suggests that this variant may have deleterious impact on protein structure and function (internally defined REVEL score threshold >= 0.7, PMID: 27666373). This variant is found within a highly conserved region of the myosin head domain. Missense variants in this region have been shown to be significantly overrepresented in individuals with hypertrophic cardiomyopathy (PMID: 27532257). Transgenic mouse models indicate that this variant disrupts the function of the MYH7 protein, causing depressed contractile function and reduced myocardial stiffness compared to controls, resulting in a phenotype consistent with dilated cardiomyopathy (PMID: 16983074, 23313350). This variant has been reported in at least 2 individuals affected with dilated cardiomyopathy (PMID: 11106718, 11106718, 29300372). It has been shown that this variant segregates with disease in at least 16 affected family members across several generations in one family (PMID: 11106718). This variant has not been identified in the general population by the Genome Aggregation Database (gnomAD). Based on the available evidence, this variant is classified as Pathogenic.

This study involves interpretation of variants in research participants for the purpose of population health screening. Participant phenotype was not available at the time of variant classification. Additional details can be found in publication PMID: 35346344, PMCID: PMC8962531

Women's Health and Genetics/Laboratory Corporation of America, LabCorp
Classification: Pathogenic for Cardiomyopathy. Last evaluated: 2022-11-14. Review status: criteria provided, single submitter. Criteria: LabCorp Variant Classification Summary - May 2015. Collection method: clinical testing. Allele origin: germline. Not counted in ClinVar's aggregate classification.
Comment: Variant summary: MYH7 c.1594T>C (p.Ser532Pro) results in a non-conservative amino acid change located in the Myosin head, motor domain (IPR001609) of the encoded protein sequence. Five of five in-silico tools predict a damaging effect of the variant on protein function. The variant was absent in 251226 control chromosomes. c.1594T>C has been reported in the literature to segregate in multiple individuals affected with Cardiomyopathy (example: Kamisago_2000). These data indicate that the variant is very likely to be associated with disease. Several publications report experimental evidence evaluating an impact on protein function (Debold_2007, Schmitt_2006 and Palmer_2013). These studies show a significant decrease in maximal force generating capacity and slower velocity of actin movment resulting in slower rates of myocyte shortening. Three clinical diagnostic laboratories have submitted clinical-significance assessments for this variant to ClinVar after 2014 without evidence for independent evaluation. All laboratories classified the variant as pathogenic. Based on the evidence outlined above, the variant was classified as pathogenic.

GeneDx
Classification: Pathogenic. Last evaluated: 2022-07-05. Review status: criteria provided, single submitter. Criteria: GeneDx Variant Classification Process June 2021. Collection method: clinical testing. Allele origin: germline. Affected: yes. Not counted in ClinVar's aggregate classification.
Comment: Published functional studies demonstrate impaired contractile function that results in left ventricular dilation (Schmitt et al., 2006; Debold et al., 2007; Palmer et al., 2013); In silico analysis supports that this missense variant has a deleterious effect on protein structure/function; Not observed at significant frequency in large population cohorts (gnomAD); Reported in ClinVar as pathogenic by the ClinGen Cardiomyopathy Variant Curation Expert Panel; This variant is associated with the following publications: (PMID: 17351073, 23313350, 25937279, 29300372, 22949430, 27532257, 11106718, 16983074)

Laboratory for Molecular Medicine, Mass General Brigham Personalized Medicine
Classification: Pathogenic for Primary dilated cardiomyopathy. Last evaluated: 2021-10-05. Review status: criteria provided, single submitter. Criteria: ACMG Guidelines, 2015. Collection method: clinical testing. Allele origin: germline. Inheritance: Autosomal dominant inheritance. Not counted in ClinVar's aggregate classification.
Comment: The p.Ser542Pro variant in MYH7 has been reported in two individuals, including one large family with DCM and segregated with disease in 15 affected relatives (Kamisago 2000 PMID: 11106718, Kelly 2018 PMID: 29300372, LMM data). It was absent from large population studies. Animal models in mice have shown that this variant disrupts the function of MYH7 and leads to a phenotype consistent with DCM (Schmitt 2006 PMID: 16983074, Debold 2007 PMID: 17351073, Palmer 2013 PMID: 23313350, Aksel 2015 PMID: 25937279). Computational prediction tools and conservation analyses suggest that this variant may impact the protein, though this information is not predictive enough to determine pathogenicity. This variant lies in the head region of the protein and missense variants in this region are statistically more likely to be disease-associated (Walsh 2017 PMID 27532257). In summary, this variant meets criteria to be classified as pathogenic for autosomal dominant dilated cardiomyopathy. ACMG/AMP Criteria applied: PS3, PP1_Strong, PM1, PM2_Supporting, PP3, PS4_Supporting.

OMIM
Classification: Pathogenic for CARDIOMYOPATHY, DILATED, 1S. Last evaluated: 2000-12-07. Review status: no assertion criteria provided. Collection method: literature only. Allele origin: germline. Not counted in ClinVar's aggregate classification.

Literature cited by the submitters: PubMed 2753225 (cited by ClinGen Cardiomyopathy Variant Curation Expert Panel); PubMed 16983074 (cited by 7 submitters); PubMed 23313350 (cited by 7 submitters); PubMed 17351073 (cited by 6 submitters); PubMed 22949430 (cited by 4 submitters); PubMed 11106718 (cited by 8 submitters); PubMed 29300372 (cited by 3 submitters); PubMed 25937279 (cited by 4 submitters); PubMed 27532257 (cited by Labcorp Genetics (formerly Invitae), Labcorp and All of Us Research Program, National Institutes of Health).

NM_000257.4(MYH7):c.1594T>C (p.Ser532Pro)

Gene: MYH7 (myosin heavy chain 7; minus strand). Cytogenetic location: 14q11.2.
Variant type: single nucleotide variant.
Coding change: c.1594T>C on transcript NM_000257.4 (MANE Select); coding-DNA position 1594, T replaced by C.
Protein change: p.Ser532Pro; replaces serine 532 with proline.
Molecular consequence: missense variant.
Genome position (GRCh38, 1-based): chr14:23,427,879, A>G on the plus strand (T>C on the coding strand, the complement: MYH7 is on the minus strand). VCF-style: chr14-23427879-A-G. GRCh37 (hg19) VCF-style: chr14-23897088-A-G.
Other names: NM_000257.3(MYH7):c.1594T>C; short protein forms S532P.
Identifiers: ClinVar variation 14108 (VCV000014108.21), dbSNP rs121913642, ClinGen allele CA011011.